The following is an entry in ClinVar:

NM_001807.6(CEL):c.1673_1684delinsGTTCCATGCCCT (p.Thr558_Pro562delinsSerSerMetProSer)

Gene: CEL (carboxyl ester lipase; plus strand). Cytogenetic location: 9q34.13.
Variant type: Indel.
Coding change: c.1673_1684delinsGTTCCATGCCCT on transcript NM_001807.6 (MANE Select); coding-DNA positions 1673 to 1684, CCCCTGTGCCCC replaced by GTTCCATGCCCT.
Protein change: p.Thr558_Pro562delinsSerSerMetProSer.
Molecular consequence: missense variant.
Genome position (GRCh38, 1-based): chr9:133,071,175-133,071,186, CCCCTGTGCCCC replaced by GTTCCATGCCCT. VCF-style: chr9-133071175-CCCCTGTGCCCC-GTTCCATGCCCT. GRCh37 (hg19) VCF-style: chr9-135946562-CCCCTGTGCCCC-GTTCCATGCCCT.
Identifiers: ClinVar variation 1302296 (VCV001302296.3), dbSNP rs2119070291, ClinGen allele CA2573053128.

ClinVar aggregate classification (germline): Uncertain significance. Review status: criteria provided, multiple submitters, no conflicts (2 of 4 stars). 2 submissions from 2 submitters: Uncertain significance (2). Last evaluated 2021-12-08.

Conditions:
Maturity-onset diabetes of the young type 8 (MODY8). Also called: DIABETES-PANCREATIC EXOCRINE DYSFUNCTION SYNDROME; DIABETES AND PANCREATIC EXOCRINE DYSFUNCTION. Identifiers: Orphanet 552, MedGen C1853297, MONDO:0012348, OMIM 609812.

Submissions (2):

Fulgent Genetics
Classification: Uncertain significance for Maturity-onset diabetes of the young type 8. Last evaluated: 2021-12-08. Review status: criteria provided, single submitter. Criteria: ACMG Guidelines, 2015. Collection method: clinical testing. Allele origin: unknown.

GeneDx
Classification: Uncertain significance. Last evaluated: 2019-07-08. Review status: criteria provided, single submitter. Criteria: GeneDx Variant Classification Process June 2021. Collection method: clinical testing. Allele origin: germline. Affected: yes.
Comment: In silico analysis, which includes protein predictors and evolutionary conservation, supports that this variant does not alter protein structure/function; Has not been previously published as pathogenic or benign to our knowledge